The following is an entry in ClinVar:

ClinVar aggregate classification (germline): Uncertain significance (1 of 4 stars; one submission).

Conditions:
Familial cancer of breast. Also called: hereditary breast carcinoma; BREAST CANCER, FAMILIAL; Hereditary breast cancer. Identifiers: Orphanet 227535, MedGen C0346153, MONDO:0016419, OMIM 114480. Disease mechanism: loss of function.

Submission:

Labcorp Genetics (formerly Invitae), Labcorp
Classification: Uncertain significance for Familial cancer of breast. Last evaluated: 2023-05-05. Review status: criteria provided, single submitter. Criteria: Invitae Variant Classification Sherloc (09022015). Collection method: clinical testing. Allele origin: germline.
Comment: In summary, the available evidence is currently insufficient to determine the role of this variant in disease. Therefore, it has been classified as a Variant of Uncertain Significance. Variants that disrupt the consensus splice site are a relatively common cause of aberrant splicing (PMID: 17576681, 9536098). Algorithms developed to predict the effect of sequence changes on RNA splicing suggest that this variant may disrupt the consensus splice site. This variant has not been reported in the literature in individuals affected with CHEK2-related conditions. This variant is not present in population databases (gnomAD no frequency). This sequence change falls in intron 8 of the CHEK2 gene. It does not directly change the encoded amino acid sequence of the CHEK2 protein. It affects a nucleotide within the consensus splice site.

Literature cited by the submitters: PubMed 17576681; PubMed 9536098.

NM_007194.4(CHEK2):c.908+4A>T

Gene: CHEK2 (checkpoint kinase 2; minus strand). Cytogenetic location: 22q12.1.
Variant type: single nucleotide variant.
Coding change: c.908+4A>T on transcript NM_007194.4 (MANE Select); 4 bases into the intron after coding-DNA position 908, A replaced by T.
Molecular consequence: intron variant.
Genome position (GRCh38, 1-based): chr22:28,703,501, T>A on the plus strand (A>T on the coding strand, the complement: CHEK2 is on the minus strand). VCF-style: chr22-28703501-T-A. GRCh37 (hg19) VCF-style: chr22-29099489-T-A.
Other names: c.245+4A>T (NM_001437942.1, NM_001257387.3); c.707+4A>T (NM_001349956.3); c.908+4A>T (NM_145862.3); c.1001+4A>T (NM_001438295.1, NM_001438293.1); c.1037+4A>T (NM_001438294.1, NM_001005735.3).
Identifiers: ClinVar variation 2833794 (VCV002833794.3), dbSNP rs2145876658, ClinGen allele CA2739265673.